The following is an entry in ClinVar:

ClinVar aggregate classification (germline): Uncertain significance. Review status: criteria provided, multiple submitters, no conflicts (2 of 4 stars). 2 submissions from 2 submitters: Uncertain significance (2). Last evaluated 2023-09-28.

Conditions:
Combined oxidative phosphorylation defect type 17. Also called: Combined oxidative phosphorylation deficiency 17. Identifiers: Orphanet 369913, MedGen C3809526, MONDO:0014190, OMIM 615440.

Allele frequency attached by ClinVar (database versions not stated): TOPMed below 0.00001.

Submissions (2):

Mayo Clinic Laboratories, Mayo Clinic
Classification: Uncertain significance. Last evaluated: 2023-09-28. Review status: criteria provided, single submitter. Criteria: ACMG Guidelines, 2015. Collection method: clinical testing. Allele origin: germline. Observed: 1 variant allele.
Comment: BP4, PM2

Labcorp Genetics (formerly Invitae), Labcorp
Classification: Uncertain significance for Combined oxidative phosphorylation defect type 17. Last evaluated: 2022-08-31. Review status: criteria provided, single submitter. Criteria: Invitae Variant Classification Sherloc (09022015). Collection method: clinical testing. Allele origin: germline.
Comment: This sequence change replaces glutamic acid, which is acidic and polar, with alanine, which is neutral and non-polar, at codon 462 of the ELAC2 protein (p.Glu462Ala). This variant is present in population databases (no rsID available, gnomAD 0.007%). This variant has not been reported in the literature in individuals affected with ELAC2-related conditions. ClinVar contains an entry for this variant (Variation ID: 1487604). Algorithms developed to predict the effect of missense changes on protein structure and function are either unavailable or do not agree on the potential impact of this missense change (SIFT: "Deleterious"; PolyPhen-2: "Benign"; Align-GVGD: "Class C0"). In summary, the available evidence is currently insufficient to determine the role of this variant in disease. Therefore, it has been classified as a Variant of Uncertain Significance.

NM_018127.7(ELAC2):c.1385A>C (p.Glu462Ala)

Gene: ELAC2 (elaC ribonuclease Z 2; minus strand). Cytogenetic location: 17p12.
Variant type: single nucleotide variant.
Coding change: c.1385A>C on transcript NM_018127.7 (MANE Select); coding-DNA position 1385, A replaced by C.
Protein change: p.Glu462Ala; replaces glutamic acid 462 with alanine.
Molecular consequence: missense variant.
Genome position (GRCh38, 1-based): chr17:13,000,194, T>G on the plus strand (A>C on the coding strand, the complement: ELAC2 is on the minus strand). VCF-style: chr17-13000194-T-G. GRCh37 (hg19) VCF-style: chr17-12903511-T-G.
Other names: p.Glu462Ala; c.1265A>C, p.Glu422Ala (NM_001165962.2); c.1382A>C, p.Glu461Ala (NM_173717.2); short protein forms E462A, E422A, E461A.
Identifiers: ClinVar variation 1487604 (VCV001487604.4), dbSNP rs1310120837, ClinGen allele CA398224895.